The following is an entry in ClinVar:

ClinVar aggregate classification (germline): Uncertain significance (1 of 4 stars; one submission).

Submission:

Labcorp Genetics (formerly Invitae), Labcorp
Classification: Uncertain significance. Last evaluated: 2024-01-17. Review status: criteria provided, single submitter. Criteria: Invitae Variant Classification Sherloc (09022015). Collection method: clinical testing. Allele origin: germline.
Comment: This sequence change replaces serine, which is neutral and polar, with proline, which is neutral and non-polar, at codon 453 of the CTNNA1 protein (p.Ser453Pro). This variant is not present in population databases (gnomAD no frequency). This variant has not been reported in the literature in individuals affected with CTNNA1-related conditions. Advanced modeling of protein sequence and biophysical properties (such as structural, functional, and spatial information, amino acid conservation, physicochemical variation, residue mobility, and thermodynamic stability) performed at Invitae indicates that this missense variant is expected to disrupt CTNNA1 protein function with a positive predictive value of 80%. In summary, the available evidence is currently insufficient to determine the role of this variant in disease. Therefore, it has been classified as a Variant of Uncertain Significance.

NM_001903.5(CTNNA1):c.1357T>C (p.Ser453Pro)

Gene: CTNNA1 (catenin alpha 1; plus strand). Cytogenetic location: 5q31.2.
Variant type: single nucleotide variant.
Coding change: c.1357T>C on transcript NM_001903.5 (MANE Select); coding-DNA position 1357, T replaced by C.
Protein change: p.Ser453Pro; replaces serine 453 with proline.
Molecular consequence: missense variant. On other transcripts: 5 prime UTR variant (4), intron variant (3).
Genome position (GRCh38, 1-based): chr5:138,904,409, T>C. VCF-style: chr5-138904409-T-C. GRCh37 (hg19) VCF-style: chr5-138240098-T-C.
Other names: c.1357T>C, p.Ser453Pro (NM_001290307.3, NM_001323982.2, NM_001323983.1 and 2 more transcripts); c.1048T>C, p.Ser350Pro (NM_001290309.3); c.988T>C, p.Ser330Pro (NM_001290310.3); c.247T>C, p.Ser83Pro (NM_001290312.1, NM_001323987.1, NM_001323988.1 and 17 more transcripts); c.-151T>C (NM_001324006.1, NM_001324007.1, NM_001324008.1 and 1 more transcripts); c.4T>C, p.Ser2Pro (NM_001324012.1, NM_001324013.1); c.1297-13333T>C (NM_001323986.2); c.187-13333T>C (NM_001324011.1); and 1 more; short protein forms S2P, S330P, S453P, S350P, S83P.
Identifiers: ClinVar variation 2709784 (VCV002709784.3), dbSNP rs2533353919, ClinGen allele CA361135986.